The following is an entry in ClinVar:

ClinVar aggregate classification (germline): Uncertain significance (1 of 4 stars; one submission).

Submission:

Labcorp Genetics (formerly Invitae), Labcorp
Classification: Uncertain significance. Last evaluated: 2023-06-17. Review status: criteria provided, single submitter. Criteria: Invitae Variant Classification Sherloc (09022015). Collection method: clinical testing. Allele origin: germline.
Comment: In summary, the available evidence is currently insufficient to determine the role of this variant in disease. Therefore, it has been classified as a Variant of Uncertain Significance. Experimental studies and prediction algorithms are not available or were not evaluated, and the functional significance of this variant is currently unknown. This variant has not been reported in the literature in individuals affected with DRAM2-related conditions. This variant is present in population databases (rs745515631, gnomAD 0.006%). This variant, c.266_268del, results in the deletion of 1 amino acid(s) of the DRAM2 protein (p.Ile89del), but otherwise preserves the integrity of the reading frame.

NM_001349884.2(DRAM2):c.263TCA[1] (p.Ile89del)

Gene: DRAM2 (DNA damage regulated autophagy modulator 2; minus strand). Cytogenetic location: 1p13.3.
Variant type: Microsatellite.
Coding change: c.263TCA[1] on transcript NM_001349884.2 (MANE Select); one copy of the 3-base unit TCA starting at c.263; the reference has two copies in a row; one copy, 3 bases deleted.
Protein change: p.Ile89del; deletes isoleucine 89.
Molecular consequence: inframe deletion. On other transcripts: intron variant (7), 5 prime UTR variant (1), non-coding transcript variant (3).
Genome position (GRCh38, 1-based): chr1:111,124,813-111,124,815, TGA deleted on the plus strand (TCA on the coding strand, the reverse complement: DRAM2 is on the minus strand); deleting any 3 consecutive bases within chr1:111,124,813-111,124,819 gives the same sequence; the position shown is the placement nearest the transcript's 3' end. VCF-style (leftmost placement, unchanged base first): chr1-111124812-TTGA-T. GRCh37 (hg19) VCF-style: chr1-111667434-TTGA-T.
Other names: c.263TCA[1], p.Ile89del (NM_001349881.2, NM_001349882.2, NM_001349885.2 and 1 more transcripts); c.-52+1412_-52+1414del (NM_001349893.2, NM_001349889.2, NM_001349890.2 and 1 more transcripts); c.41+1412_41+1414del (NM_001349888.2, NM_001349887.2, NM_001349886.2); c.-156TCA[1] (NM_001349891.2); short protein forms I89del.
Identifiers: ClinVar variation 2805978 (VCV002805978.3), dbSNP rs745515631, ClinGen allele CA1001883.